The following is an entry in ClinVar:

NM_000059.4(BRCA2):c.7282T>G (p.Leu2428Val)

Gene: BRCA2 (BRCA2 DNA repair associated; plus strand). Cytogenetic location: 13q13.1.
Variant type: single nucleotide variant.
Coding change: c.7282T>G on transcript NM_000059.4 (MANE Select); coding-DNA position 7282, T replaced by G.
Protein change: p.Leu2428Val; replaces leucine 2428 with valine.
Molecular consequence: missense variant.
Genome position (GRCh38, 1-based): chr13:32,355,135, T>G. VCF-style: chr13-32355135-T-G. GRCh37 (hg19) VCF-style: chr13-32929272-T-G.
Other names: short protein forms L2428V.
Identifiers: ClinVar variation 1443800 (VCV001443800.11), dbSNP rs1057521856, ClinGen allele CA387740711.

ClinVar aggregate classification (germline): Uncertain significance. Review status: criteria provided, multiple submitters, no conflicts (2 of 4 stars). 5 submissions from 5 submitters: Uncertain significance (5). Last evaluated 2025-11-12.

Conditions:
Hereditary breast ovarian cancer syndrome. Also called: Hereditary breast and/or ovarian cancer syndrome; Hereditary breast and ovarian cancer syndrome (HBOC); Breast and ovarian cancer; BRCA1- and BRCA2-Associated Hereditary Breast and Ovarian Cancer; Hereditary breast and ovarian cancer syndrome; Hereditary breast and ovarian cancer. Identifiers: Orphanet 145, MedGen C0677776, MeSH D061325, MONDO:0003582. Disease mechanism: loss of function.
Hereditary cancer-predisposing syndrome. Also called: Tumor predisposition; Hereditary neoplastic syndrome; Hereditary Cancer Syndrome; Neoplastic Syndromes, Hereditary. Identifiers: Orphanet 140162, MedGen C0027672, MeSH D009386, MONDO:0015356.
Breast-ovarian cancer, familial, susceptibility to, 2 (BROVCA2). Also called: BRCA2 Hereditary Breast and Ovarian Cancer. Identifiers: Orphanet 145, MedGen C2675520, MONDO:0012933, OMIM 612555. Disease mechanism: loss of function.

Submissions (5):

Labcorp Genetics (formerly Invitae), Labcorp
Classification: Uncertain significance for Hereditary breast ovarian cancer syndrome. Last evaluated: 2025-11-12. Review status: criteria provided, single submitter. Criteria: Invitae Variant Classification Sherloc (09022015). Collection method: clinical testing. Allele origin: germline.
Comment: This sequence change replaces leucine, which is neutral and non-polar, with valine, which is neutral and non-polar, at codon 2428 of the BRCA2 protein (p.Leu2428Val). This variant is not present in population databases (gnomAD no frequency). This missense change has been observed in individual(s) with BRCA2-related conditions (PMID: 34413315). ClinVar contains an entry for this variant (Variation ID: 1443800). Invitae Evidence Modeling of protein sequence and biophysical properties (such as structural, functional, and spatial information, amino acid conservation, physicochemical variation, residue mobility, and thermodynamic stability) indicates that this missense variant is not expected to disrupt BRCA2 protein function with a negative predictive value of 95%. In summary, the available evidence is currently insufficient to determine the role of this variant in disease. Therefore, it has been classified as a Variant of Uncertain Significance.

Ambry Genetics
Classification: Uncertain significance for Hereditary cancer-predisposing syndrome. Last evaluated: 2024-11-08. Review status: criteria provided, single submitter. Criteria: Ambry Variant Classification Scheme 2023. Collection method: clinical testing. Allele origin: germline.
Comment: The p.L2428V variant (also known as c.7282T>G), located in coding exon 13 of the BRCA2 gene, results from a T to G substitution at nucleotide position 7282. The leucine at codon 2428 is replaced by valine, an amino acid with highly similar properties. This amino acid position is not well conserved in available vertebrate species. In addition, this alteration is predicted to be tolerated by in silico analysis. Based on the available evidence, the clinical significance of this variant remains unclear.

All of Us Research Program, National Institutes of Health
Classification: Uncertain significance for Breast-ovarian cancer, familial, susceptibility to, 2. Last evaluated: 2023-10-23. Review status: criteria provided, single submitter. Criteria: ACMG Guidelines, 2015. Collection method: clinical testing. Allele origin: germline. Inheritance: Autosomal dominant inheritance. Observed: 1 variant allele, 1 heterozygote.
Comment: This missense variant replaces leucine with valine at codon 2428 of the BRCA2 protein. Computational prediction tools and conservation analyses are inconclusive regarding the impact of this variant on the protein function. Computational splicing tools suggest that this variant may not impact RNA splicing. To our knowledge, functional assays have not been performed for this variant nor has this variant been reported in individuals affected with hereditary cancer in the literature. This variant has not been identified in the general population by the Genome Aggregation Database (gnomAD). Available evidence is insufficient to determine the role of this variant in disease conclusively. Therefore, this variant is classified as a Variant of Uncertain Significance.

This study involves interpretation of variants in research participants for the purpose of population health screening. Participant phenotype was not available at the time of variant classification. Additional details can be found in publication PMID: 35346344, PMCID: PMC8962531

Color Diagnostics, LLC DBA Color Health
Classification: Uncertain significance for Hereditary cancer-predisposing syndrome. Last evaluated: 2023-10-05. Review status: criteria provided, single submitter. Criteria: ACMG Guidelines, 2015. Collection method: clinical testing. Allele origin: germline.
Comment: This missense variant replaces leucine with valine at codon 2428 of the BRCA2 protein. Computational prediction suggests that this variant may not impact protein structure and function. To our knowledge, functional studies have not been reported for this variant. This variant has been reported in an individual with a personal or family history of BRCA2-related cancer (PMID: 34413315). This variant has not been identified in the general population by the Genome Aggregation Database (gnomAD). The available evidence is insufficient to determine the role of this variant in disease conclusively. Therefore, this variant is classified as a Variant of Uncertain Significance.

Women's Health and Genetics/Laboratory Corporation of America, LabCorp
Classification: Uncertain significance. Last evaluated: 2022-08-22. Review status: criteria provided, single submitter. Criteria: LabCorp Variant Classification Summary - May 2015. Collection method: clinical testing. Allele origin: germline.
Comment: Variant summary: BRCA2 c.7282T>G (p.Leu2428Val) results in a conservative amino acid change in the encoded protein sequence. Five of five in-silico tools predict a benign effect of the variant on protein function. The variant was absent in 251242 control chromosomes (gnomAD). The available data on variant occurrences in the general population are insufficient to allow any conclusion about variant significance. c.7282T>G has been reported in the literature in at least one individual affected with Breast/Ovarian Cancer (Herzog_2021). This report does not provide unequivocal conclusions about association of the variant with Hereditary Breast And Ovarian Cancer Syndrome. To our knowledge, no experimental evidence demonstrating an impact on protein function has been reported. One ClinVar submitter has assessed the variant since 2014: the variant was classified as uncertain significance. Based on the evidence outlined above, the variant was classified as uncertain significance.

Literature cited by the submitters: PubMed 34413315 (cited by 3 submitters).